The following is an entry in ClinVar:

NM_017672.6(TRPM7):c.2937T>C (p.Phe979=)

Gene: TRPM7 (transient receptor potential cation channel subfamily M member 7; minus strand). Cytogenetic location: 15q21.2.
Variant type: single nucleotide variant.
Coding change: c.2937T>C on transcript NM_017672.6 (MANE Select); coding-DNA position 2937, T replaced by C.
Protein change: p.Phe979=; no amino-acid change (phenylalanine 979 retained).
Molecular consequence: synonymous variant. On other transcripts: non-coding transcript variant (2).
Genome position (GRCh38, 1-based): chr15:50,604,917, A>G on the plus strand (T>C on the coding strand, the complement: TRPM7 is on the minus strand). VCF-style: chr15-50604917-A-G. GRCh37 (hg19) VCF-style: chr15-50897114-A-G.
Other names: c.2937T>C, p.Phe979= (NM_001301212.2).
Identifiers: ClinVar variation 778493 (VCV000778493.6), dbSNP rs35224461, ClinGen allele CA7557304.

ClinVar aggregate classification (germline): Benign. Review status: criteria provided, multiple submitters, no conflicts (2 of 4 stars). 3 submissions from 3 submitters: Benign (2). 1 of the submissions does not count toward it. Last evaluated 2018-05-23.

Conditions:
TRPM7-related disorder. Also called: TRPM7-related condition.

Allele frequency attached by ClinVar (database versions not stated): ESP Exome Variant Server 0.00085; ExAC 0.00119; gnomAD exomes 0.00143 and 0.00177; 1000 Genomes Project 0.00160; gnomAD 0.00170 and 0.00175; TOPMed 0.00193; 1000 Genomes Project 30x 0.00203.
gnomAD v4.1: 2,858 of 1,611,950 alleles (0.18%); highest among the groups gnomAD compares: Admixed American, 0.42%; 4 homozygotes.

Submissions (3):

Labcorp Genetics (formerly Invitae), Labcorp
Classification: Benign. Last evaluated: 2018-05-23. Review status: criteria provided, single submitter. Criteria: Invitae Variant Classification Sherloc (09022015). Collection method: clinical testing. Allele origin: germline.

Breakthrough Genomics
Classification: Benign. Review status: criteria provided, single submitter. Criteria: ACMG Guidelines, 2015. Collection method: not provided. Allele origin: germline. Inheritance: Autosomal dominant inheritance. Affected: yes.

PreventionGenetics, part of Exact Sciences
Classification: Likely benign for TRPM7-related condition. Last evaluated: 2020-01-02. Review status: no assertion criteria provided. Collection method: clinical testing. Allele origin: germline. Not counted in ClinVar's aggregate classification.
Comment: This variant is classified as likely benign based on ACMG/AMP sequence variant interpretation guidelines (Richards et al. 2015 PMID: 25741868, with internal and published modifications).